The following is an entry in ClinVar:

NM_018089.3(ANKZF1):c.1954C>G (p.Leu652Val)

Gene: ANKZF1 (ankyrin repeat and zinc finger peptidyl tRNA hydrolase 1; plus strand). Cytogenetic location: 2q35.
Variant type: single nucleotide variant.
Coding change: c.1954C>G on transcript NM_018089.3 (MANE Select); coding-DNA position 1954, C replaced by G.
Protein change: p.Leu652Val; replaces leucine 652 with valine.
Molecular consequence: missense variant.
Genome position (GRCh38, 1-based): chr2:219,235,858, C>G. VCF-style: chr2-219235858-C-G. GRCh37 (hg19) VCF-style: chr2-220100580-C-G.
Other names: c.1954C>G, p.Leu652Val (NM_001042410.2); c.1324C>G, p.Leu442Val (NM_001282792.2); short protein forms L442V, L652V.
Identifiers: ClinVar variation 1721005 (VCV001721005.5), dbSNP rs1256478131, ClinGen allele CA350688246.

ClinVar aggregate classification (germline): Uncertain significance (1 of 4 stars; one submission).

Submission:

Labcorp Genetics (formerly Invitae), Labcorp
Classification: Uncertain significance. Last evaluated: 2022-10-05. Review status: criteria provided, single submitter. Criteria: Invitae Variant Classification Sherloc (09022015). Collection method: clinical testing. Allele origin: germline.
Comment: This sequence change replaces leucine, which is neutral and non-polar, with valine, which is neutral and non-polar, at codon 652 of the ANKZF1 protein (p.Leu652Val). This variant is not present in population databases (gnomAD no frequency). This variant has not been reported in the literature in individuals affected with ANKZF1-related conditions. Algorithms developed to predict the effect of missense changes on protein structure and function are either unavailable or do not agree on the potential impact of this missense change (SIFT: "Deleterious"; PolyPhen-2: "Probably Damaging"; Align-GVGD: "Class C0"). In summary, the available evidence is currently insufficient to determine the role of this variant in disease. Therefore, it has been classified as a Variant of Uncertain Significance.